The following is an entry in ClinVar:

NM_014967.5(FAN1):c.1811+9A>T

Gene: FAN1 (FANCD2 and FANCI associated nuclease 1; plus strand). Cytogenetic location: 15q13.3.
Variant type: single nucleotide variant.
Coding change: c.1811+9A>T on transcript NM_014967.5 (MANE Select); 9 bases into the intron after coding-DNA position 1811, A replaced by T.
Molecular consequence: intron variant.
Genome position (GRCh38, 1-based): chr15:30,914,100, A>T. VCF-style: chr15-30914100-A-T. GRCh37 (hg19) VCF-style: chr15-31206303-A-T.
Identifiers: ClinVar variation 730014 (VCV000730014.12), dbSNP rs371202499, ClinGen allele CA7450403.
Genomic context (GRCh38, chr15:30,914,100, plus strand): 5'-ACACCATCAATCGGAAAACCCACATCTTCCAAGACAGAGATGATCTTATCAGGTAAGATG[A>T]TGTTAGCTCACTATAATGTCTATATGTGTATTTCACAATTTAGTAAAAGGTTTTGTTATT-3'

ClinVar aggregate classification (germline): Benign/Likely benign. Review status: criteria provided, multiple submitters, no conflicts (2 of 4 stars). 3 submissions from 3 submitters: Benign (1); Likely benign (1). 1 of the submissions does not count toward it. Last evaluated 2025-12-22.

Conditions:
FAN1-related disorder. Also called: FAN1-related condition.

Allele frequency attached by ClinVar (database versions not stated): 1000 Genomes Project 30x 0.00078; 1000 Genomes Project 0.00080; TOPMed 0.00146; ESP Exome Variant Server 0.00161.

Submissions (3):

Labcorp Genetics (formerly Invitae), Labcorp
Classification: Benign. Last evaluated: 2025-12-22. Review status: criteria provided, single submitter. Criteria: Invitae Variant Classification Sherloc (09022015). Collection method: clinical testing. Allele origin: germline.

Blueprint Genetics
Classification: Likely benign. Last evaluated: 2024-02-19. Review status: criteria provided, single submitter. Criteria: ACMG Guidelines, 2015. Collection method: clinical testing. Allele origin: germline.

PreventionGenetics, part of Exact Sciences
Classification: Likely benign for FAN1-related condition. Last evaluated: 2019-05-03. Review status: no assertion criteria provided. Collection method: clinical testing. Allele origin: germline. Not counted in ClinVar's aggregate classification.
Comment: This variant is classified as likely benign based on ACMG/AMP sequence variant interpretation guidelines (Richards et al. 2015 PMID: 25741868, with internal and published modifications).